The following is an entry in ClinVar:

NM_000298.6(PKLR):c.1594C>T (p.Arg532Trp)

Gene: PKLR (pyruvate kinase L/R; minus strand). Cytogenetic location: 1q22.
Variant type: single nucleotide variant.
Coding change: c.1594C>T on transcript NM_000298.6 (MANE Select); coding-DNA position 1594, C replaced by T.
Protein change: p.Arg532Trp; replaces arginine 532 with tryptophan.
Molecular consequence: missense variant.
Genome position (GRCh38, 1-based): chr1:155,291,780, G>A on the plus strand (C>T on the coding strand, the complement: PKLR is on the minus strand). VCF-style: chr1-155291780-G-A. GRCh37 (hg19) VCF-style: chr1-155261571-G-A.
Other names: c.1501C>T, p.Arg501Trp (NM_181871.4); short protein forms R501W, R532W.
Identifiers: ClinVar variation 983093 (VCV000983093.8), dbSNP rs201255024, ClinGen allele CA1143964.

ClinVar aggregate classification (germline): Pathogenic/Likely pathogenic. Review status: criteria provided, multiple submitters, no conflicts (2 of 4 stars). 6 submissions from 6 submitters: Pathogenic (5); Likely pathogenic (1). Last evaluated 2025-05-16.

Conditions:
PKLR-related disorder. Also called: PKLR-related condition.
Pyruvate kinase deficiency of red cells (CNSHA2). Also called: PK DEFICIENCY; Pyruvate kinase deficiency, Amish type; PYRUVATE KINASE DEFICIENCY OF ERYTHROCYTE. Identifiers: Orphanet 766, MedGen C0340968, MONDO:0009950, OMIM 266200.

Allele frequency attached by ClinVar (database versions not stated): gnomAD 0.00001; gnomAD exomes 0.00001; ExAC 0.00002; TOPMed 0.00002.
gnomAD v4.1: 13 of 1,613,828 alleles (0.00081%); highest among the groups gnomAD compares: South Asian, 0.0022%; no homozygotes.

Submissions (6):

GeneDx
Classification: Pathogenic. Last evaluated: 2025-05-16. Review status: criteria provided, single submitter. Criteria: GeneDx Variant Classification Process June 2021. Collection method: clinical testing. Allele origin: germline.
Comment: Published functional studies demonstrate a damaging effect (PMID: 11960989); In silico analysis supports that this missense variant has a deleterious effect on protein structure/function; Not observed at significant frequency in large population cohorts (gnomAD); This variant is associated with the following publications: (PMID: 8180378, 7948315, 24533562, 9160692, 29396846, 34426522, 36533240, 11960989)

Blueprint Genetics
Classification: Likely pathogenic for PKLR-related disorders. Last evaluated: 2024-08-08. Review status: criteria provided, single submitter. Criteria: ACMG Guidelines, 2015. Collection method: clinical testing. Allele origin: germline. Affected: yes. Observed: 2 variant alleles.

Revvity Omics, Revvity
Classification: Pathogenic. Last evaluated: 2024-07-08. Review status: criteria provided, single submitter. Criteria: ACMG Guidelines, 2015. Collection method: clinical testing. Allele origin: germline.

PreventionGenetics, part of Exact Sciences
Classification: Pathogenic for PKLR-related condition. Last evaluated: 2023-03-14. Review status: criteria provided, single submitter. Criteria: ACMG Guidelines, 2015. Collection method: clinical testing. Allele origin: germline.
Comment: The PKLR c.1594C>T variant is predicted to result in the amino acid substitution p.Arg532Trp. This variant has previously been reported to be causative of autosomal recessive pyruvate kinase deficiency (Lenzner et al 1994. PubMed ID: 8180378; Valentini G et al 2002. PubMed ID: 11960989; Russo R et al 2018. PubMed ID: 29396846). This variant is reported in 0.0023% of alleles in individuals of European (Non-Finnish) descent in gnomAD. This variant is interpreted as pathogenic.

Laboratorio de Genetica e Diagnostico Molecular, Hospital Israelita Albert Einstein
Classification: Pathogenic for Pyruvate kinase deficiency of red cells. Last evaluated: 2023-01-18. Review status: criteria provided, single submitter. Criteria: ACMG Guidelines, 2015. Collection method: clinical testing. Allele origin: germline. Affected: yes. Observed: 1 variant allele.
Comment: ACMG classification criteria: PS3 supporting, PM2 moderated, PM3 very strong, PP3 supporting

Institute of Human Genetics, University of Leipzig Medical Center
Classification: Pathogenic for Pyruvate kinase deficiency of red cells. Last evaluated: 2019-01-01. Review status: criteria provided, single submitter. Criteria: ACMG Guidelines, 2015. Collection method: clinical testing. Allele origin: unknown. Affected: yes.
Comment: This variant was identified as compound heterozygous.